The following is an entry in ClinVar:

NM_000246.4(CIITA):c.1920_1921insGA (p.Tyr641fs)

Gene: CIITA (class II major histocompatibility complex transactivator; plus strand). Cytogenetic location: 16p13.13.
Variant type: Insertion.
Coding change: c.1920_1921insGA on transcript NM_000246.4 (MANE Select); coding-DNA positions 1920 to 1921, GA inserted.
Protein change: p.Tyr641fs; shifts the reading frame from tyrosine 641.
Molecular consequence: frameshift variant. On other transcripts: intron variant (1).
Genome position: GRCh38 VCF-style: chr16-10907412-C-CGA. GRCh37 (hg19) VCF-style: chr16-11001269-C-CGA.
Other names: c.1923_1924insGA, p.Tyr642fs (NM_001286402.1, NM_001379332.1); c.1776_1777insGA, p.Tyr593fs (NM_001379330.1); c.1773_1774insGA, p.Tyr592fs (NM_001379331.1); c.1920_1921insGA, p.Tyr641fs (NM_001379333.1); c.1851_1852insGA, p.Tyr618fs (NM_001379334.1); c.860-1571_860-1570insGA (NM_001286403.2); short protein forms Y592fs, Y642fs, Y593fs, Y641fs, Y618fs.
Identifiers: ClinVar variation 2801825 (VCV002801825.3), dbSNP rs2544486450, ClinGen allele CA2739266607.

ClinVar aggregate classification (germline): Pathogenic (1 of 4 stars; one submission).

Conditions:
MHC class II deficiency. Also called: Bare lymphocyte syndrome 2; BLS, TYPE II. Identifiers: Orphanet 572, MedGen C5447452, MONDO:0008855.

Submission:

Labcorp Genetics (formerly Invitae), Labcorp
Classification: Pathogenic for MHC class II deficiency. Last evaluated: 2022-12-28. Review status: criteria provided, single submitter. Criteria: Invitae Variant Classification Sherloc (09022015). Collection method: clinical testing. Allele origin: germline.
Comment: This sequence change creates a premature translational stop signal (p.Tyr641Aspfs*46) in the CIITA gene. It is expected to result in an absent or disrupted protein product. Loss-of-function variants in CIITA are known to be pathogenic (PMID: 8402893, 9099848, 26271388). This variant is not present in population databases (gnomAD no frequency). This variant has not been reported in the literature in individuals affected with CIITA-related conditions. For these reasons, this variant has been classified as Pathogenic.

Literature cited by the submitters: PubMed 8402893; PubMed 9099848; PubMed 26271388.